The following is an entry in ClinVar:

NM_005559.4(LAMA1):c.4894A>G (p.Lys1632Glu)

Gene: LAMA1 (laminin subunit alpha 1; minus strand). Cytogenetic location: 18p11.31.
Variant type: single nucleotide variant.
Coding change: c.4894A>G on transcript NM_005559.4 (MANE Select); coding-DNA position 4894, A replaced by G.
Protein change: p.Lys1632Glu; replaces lysine 1632 with glutamic acid.
Molecular consequence: missense variant.
Genome position (GRCh38, 1-based): chr18:6,995,359, T>C on the plus strand (A>G on the coding strand, the complement: LAMA1 is on the minus strand). VCF-style: chr18-6995359-T-C. GRCh37 (hg19) VCF-style: chr18-6995358-T-C.
Other names: p.Lys1632Glu; short protein forms K1632E.
Identifiers: ClinVar variation 786334 (VCV000786334.12), dbSNP rs11872364, ClinGen allele CA8881766.

ClinVar aggregate classification (germline): Benign. Review status: criteria provided, multiple submitters, no conflicts (2 of 4 stars). 3 submissions from 3 submitters: Benign (3). Last evaluated 2026-01-27.

Allele frequency attached by ClinVar (database versions not stated): gnomAD exomes 0.00118 and 0.00295; ExAC 0.00353; ESP Exome Variant Server 0.01069; gnomAD 0.01118 and 0.01195; TOPMed 0.01308; 1000 Genomes Project 0.01318; 1000 Genomes Project 30x 0.01405.
gnomAD v4.1: 3,520 of 1,610,626 alleles (0.22%); highest among the groups gnomAD compares: African/African-American, 3.9%; 66 homozygotes.

Submissions (3):

Labcorp Genetics (formerly Invitae), Labcorp
Classification: Benign. Last evaluated: 2026-01-27. Review status: criteria provided, single submitter. Criteria: Invitae Variant Classification Sherloc (09022015). Collection method: clinical testing. Allele origin: germline.

Mayo Clinic Laboratories, Mayo Clinic
Classification: Benign. Last evaluated: 2025-07-09. Review status: criteria provided, single submitter. Criteria: ACMG Guidelines, 2015. Collection method: clinical testing. Allele origin: germline. Observed: 1 variant allele.
Comment: BS1, BS2, BP4_moderate

Breakthrough Genomics
Classification: Benign. Review status: criteria provided, single submitter. Criteria: ACMG Guidelines, 2015. Collection method: not provided. Allele origin: germline. Inheritance: Autosomal recessive inheritance. Affected: yes.